The following is an entry in ClinVar:

NM_002335.4(LRP5):c.322del (p.Val108fs)

Gene: LRP5 (LDL receptor related protein 5; plus strand). Cytogenetic location: 11q13.2.
Variant type: Deletion.
Coding change: c.322del on transcript NM_002335.4 (MANE Select); coding-DNA position 322, one base deleted (G; older notation c.322delG).
Protein change: p.Val108fs; shifts the reading frame from valine 108.
Molecular consequence: frameshift variant. On other transcripts: 5 prime UTR variant (1).
Genome position (GRCh38, 1-based): chr11:68,348,077, G deleted; the last of 2 consecutive G bases (chr11:68,348,076-68,348,077); deleting either gives the same sequence. VCF-style (leftmost placement, unchanged base first): chr11-68348075-TG-T. GRCh37 (hg19) VCF-style: chr11-68115543-TG-T.
Other names: c.-1444del (NM_001291902.2); short protein forms V108fs.
Identifiers: ClinVar variation 2112573 (VCV002112573.4), dbSNP rs2496383930, ClinGen allele CA2580084709.

ClinVar aggregate classification (germline): Pathogenic (1 of 4 stars; one submission).

Submission:

Labcorp Genetics (formerly Invitae), Labcorp
Classification: Pathogenic. Last evaluated: 2022-03-15. Review status: criteria provided, single submitter. Criteria: Invitae Variant Classification Sherloc (09022015). Collection method: clinical testing. Allele origin: germline.
Comment: For these reasons, this variant has been classified as Pathogenic. This sequence change creates a premature translational stop signal (p.Val108Serfs*93) in the LRP5 gene. It is expected to result in an absent or disrupted protein product. Loss-of-function variants in LRP5 are known to be pathogenic (PMID: 11719191, 16252235, 25711638). This variant is not present in population databases (gnomAD no frequency). This variant has not been reported in the literature in individuals affected with LRP5-related conditions.

Literature cited by the submitters: PubMed 11719191; PubMed 16252235; PubMed 25711638.